The following is an entry in ClinVar:

ClinVar aggregate classification (germline): Uncertain significance (1 of 4 stars; one submission).

Conditions:
Charcot-Marie-Tooth disease axonal type 2P. Also called: CHARCOT-MARIE-TOOTH DISEASE, AXONAL, TYPE 2G; CMT 2G; CHARCOT-MARIE-TOOTH NEUROPATHY, TYPE 2P; Charcot-Marie-Tooth Neuropathy Type 2G. Identifiers: Orphanet 300319, Orphanet 99941, MedGen C3280797, MONDO:0013753, OMIM 614436.

Allele frequency attached by ClinVar (database versions not stated): gnomAD exomes below 0.00001 and 0.00001; ExAC 0.00001.
gnomAD v4.1: 15 of 1,613,716 alleles (0.00093%); highest among the groups gnomAD compares: Admixed American, 0.0017%; no homozygotes.

Submission:

Labcorp Genetics (formerly Invitae), Labcorp
Classification: Uncertain significance for Charcot-Marie-Tooth disease axonal type 2P. Last evaluated: 2023-06-30. Review status: criteria provided, single submitter. Criteria: Invitae Variant Classification Sherloc (09022015). Collection method: clinical testing. Allele origin: germline.
Comment: In summary, the available evidence is currently insufficient to determine the role of this variant in disease. Therefore, it has been classified as a Variant of Uncertain Significance. Advanced modeling of protein sequence and biophysical properties (such as structural, functional, and spatial information, amino acid conservation, physicochemical variation, residue mobility, and thermodynamic stability) performed at Invitae indicates that this missense variant is not expected to disrupt LRSAM1 protein function. ClinVar contains an entry for this variant (Variation ID: 852386). This variant has not been reported in the literature in individuals affected with LRSAM1-related conditions. This variant is present in population databases (rs750243357, gnomAD 0.003%). This sequence change replaces methionine, which is neutral and non-polar, with valine, which is neutral and non-polar, at codon 424 of the LRSAM1 protein (p.Met424Val).

NM_001005373.4(LRSAM1):c.1270A>G (p.Met424Val)

Gene: LRSAM1 (leucine rich repeat and sterile alpha motif containing 1; plus strand). Cytogenetic location: 9q33.3.
Variant type: single nucleotide variant.
Coding change: c.1270A>G on transcript NM_001005373.4 (MANE Select); coding-DNA position 1270, A replaced by G.
Protein change: p.Met424Val; replaces methionine 424 with valine.
Molecular consequence: missense variant. On other transcripts: non-coding transcript variant (2).
Genome position (GRCh38, 1-based): chr9:127,487,686, A>G. VCF-style: chr9-127487686-A-G. GRCh37 (hg19) VCF-style: chr9-130249965-A-G.
Other names: c.1270A>G, p.Met424Val (NM_001005374.4, NM_001190723.3, NM_001384142.1 and 2 more transcripts); c.481A>G, p.Met161Val (NM_001384144.1); short protein forms M424V, M161V.
Identifiers: ClinVar variation 852386 (VCV000852386.7), dbSNP rs750243357, ClinGen allele CA5246920.